The following is an entry in ClinVar:

ClinVar aggregate classification (germline): Uncertain significance (1 of 4 stars; one submission).

Submission:

Labcorp Genetics (formerly Invitae), Labcorp
Classification: Uncertain significance. Last evaluated: 2022-11-29. Review status: criteria provided, single submitter. Criteria: Invitae Variant Classification Sherloc (09022015). Collection method: clinical testing. Allele origin: germline.
Comment: This variant has not been reported in the literature in individuals affected with DOCK6-related conditions. ClinVar contains an entry for this variant (Variation ID: 1472746). This variant is not present in population databases (gnomAD no frequency). This sequence change replaces histidine, which is basic and polar, with glutamine, which is neutral and polar, at codon 1622 of the DOCK6 protein (p.His1622Gln). Advanced modeling of protein sequence and biophysical properties (such as structural, functional, and spatial information, amino acid conservation, physicochemical variation, residue mobility, and thermodynamic stability) has been performed at Invitae for this missense variant, however the output from this modeling did not meet the statistical confidence thresholds required to predict the impact of this variant on DOCK6 protein function. In summary, the available evidence is currently insufficient to determine the role of this variant in disease. Therefore, it has been classified as a Variant of Uncertain Significance.

NM_020812.4(DOCK6):c.4866C>A (p.His1622Gln)

Genes: DOCK6 (dedicator of cytokinesis 6; minus strand), DOCK6-AS1 (DOCK6 antisense RNA 1; plus strand). Cytogenetic location: 19p13.2.
Variant type: single nucleotide variant.
Coding change: c.4866C>A on transcript NM_020812.4 (MANE Select); coding-DNA position 4866, C replaced by A.
Protein change: p.His1622Gln; replaces histidine 1622 with glutamine.
Molecular consequence: missense variant.
Genome position (GRCh38, 1-based): chr19:11,208,989, G>T on the plus strand (C>A on the coding strand, the complement: DOCK6 is on the minus strand). VCF-style: chr19-11208989-G-T. GRCh37 (hg19) VCF-style: chr19-11319665-G-T.
Other names: c.4971C>A, p.His1657Gln (NM_001367830.1); short protein forms H1622Q, H1657Q.
Identifiers: ClinVar variation 1472746 (VCV001472746.8), dbSNP rs767403514, ClinGen allele CA404078079.